The following is an entry in ClinVar:

NM_001009944.3(PKD1):c.8747del (p.Pro2916fs)

Gene: PKD1 (polycystin 1, transient receptor potential channel interacting; minus strand). Cytogenetic location: 16p13.3.
Variant type: Deletion.
Coding change: c.8747del on transcript NM_001009944.3 (MANE Select); coding-DNA position 8747, one base deleted (C; older notation c.8747delC).
Protein change: p.Pro2916fs; shifts the reading frame from proline 2916.
Molecular consequence: frameshift variant.
Genome position (GRCh38, 1-based): chr16:2,103,310, G deleted on the plus strand (C on the coding strand, the reverse complement: PKD1 is on the minus strand); the first of 3 consecutive G bases (chr16:2,103,310-2,103,312); deleting any one gives the same sequence. VCF-style (leftmost placement, unchanged base first): chr16-2103309-AG-A. GRCh37 (hg19) VCF-style: chr16-2153310-AG-A.
Other names: c.8747del, p.Pro2916fs (NM_000296.4); short protein forms P2916fs.
Identifiers: ClinVar variation 3335849 (VCV003335849.2).

ClinVar aggregate classification (germline): Pathogenic (1 of 4 stars; one submission).

Conditions:
Polycystic kidney disease, adult type (PKD1). Also called: Polycystic Kidney, Autosomal Dominant; POLYCYSTIC KIDNEY DISEASE 1 WITH OR WITHOUT POLYCYSTIC LIVER DISEASE; POLYCYSTIC KIDNEY DISEASE, ADULT, TYPE I; Polycystic Kidney Disease 1, Autosomal Dominant; Polycystic kidney disease 1; Polycystic kidney disease 1, severe. Identifiers: MedGen C3149841, MONDO:0008263, OMIM 173900.

Submission:

Juno Genomics, Hangzhou Juno Genomics, Inc
Classification: Pathogenic for Polycystic kidney disease, adult type. Review status: criteria provided, single submitter. Criteria: ACMG Guidelines, 2015. Collection method: clinical testing. Allele origin: germline. Affected: yes.
Comment: Absent from controls (or at extremely low frequency if recessive) in Genome Aggregation Database, Exome Sequencing Project, 1000 Genomes Project, or Exome Aggregation Consortium.;Null variant in a gene where loss of function (LOF) is a known mechanism of disease.;Patient's phenotype or family history is highly specific for a disease with a single genetic etiology.